The following is an entry in ClinVar:

NM_014244.5(ADAMTS2):c.*2918G>A

Gene: ADAMTS2 (ADAM metallopeptidase with thrombospondin type 1 motif 2; minus strand). Cytogenetic location: 5q35.3.
Variant type: single nucleotide variant.
Coding change: c.*2918G>A on transcript NM_014244.5 (MANE Select); 2918 bases downstream of the stop codon, G replaced by A.
Molecular consequence: 3 prime UTR variant.
Genome position (GRCh38, 1-based): chr5:179,110,949, C>T on the plus strand (G>A on the coding strand, the complement: ADAMTS2 is on the minus strand). VCF-style: chr5-179110949-C-T. GRCh37 (hg19) VCF-style: chr5-178537950-C-T.
Identifiers: ClinVar variation 353038 (VCV000353038.5), dbSNP rs60250623, ClinGen allele CA10620170.

ClinVar aggregate classification (germline): Benign (1 of 4 stars; one submission).

Conditions:
Ehlers-Danlos syndrome, dermatosparaxis type. Also called: EDS VIIC; Dermatosparaxis; Ehlers-Danlos syndrome, type VII, autosomal recessive. Identifiers: Orphanet 1901, MedGen C2700425, MONDO:0009161, OMIM 225410.

Allele frequency attached by ClinVar (database versions not stated): gnomAD 0.01915 and 0.02037; TOPMed 0.02213; 1000 Genomes Project 0.02596; 1000 Genomes Project 30x 0.02842.

Submission:

Illumina Laboratory Services, Illumina
Classification: Benign for Ehlers-Danlos syndrome, dermatosparaxis type. Last evaluated: 2018-01-13. Review status: criteria provided, single submitter. Criteria: ICSL Variant Classification Criteria 13 December 2019. Collection method: clinical testing. Allele origin: germline.
Comment: This variant was observed in the ICSL laboratory as part of a predisposition screen in an ostensibly healthy population. It had not been previously curated by ICSL or reported in the Human Gene Mutation Database (HGMD: prior to June 1st, 2018), and was therefore a candidate for classification through an automated scoring system. Utilizing variant allele frequency, disease prevalence and penetrance estimates, and inheritance mode, an automated score was calculated to assess if this variant is too frequent to cause the disease. Based on the score and internal cut-off values, a variant classified as benign is not then subjected to further curation. The score for this variant resulted in a classification of benign for this disease.